The following is an entry in ClinVar:

ClinVar aggregate classification (germline): Uncertain significance. Review status: criteria provided, multiple submitters, no conflicts (2 of 4 stars). 3 submissions from 3 submitters: Uncertain significance (3). Last evaluated 2024-09-17.

Conditions:
Inborn genetic diseases. Identifiers: MedGen C0950123, MeSH D030342.
Axenfeld-Rieger syndrome type 3 (RIEG3). Also called: AXENFELD-RIEGER ANOMALY WITH CARDIAC DEFECTS AND/OR SENSORINEURAL HEARING LOSS. Identifiers: Orphanet 782, MedGen C2678503, MONDO:0011233, OMIM 602482.

Allele frequency attached by ClinVar (database versions not stated): gnomAD 0.00006; gnomAD exomes 0.00012.
gnomAD v4.1: 129 of 1,541,878 alleles (0.0084%); highest among the groups gnomAD compares: Non-Finnish European, 0.0092%; no homozygotes.

Submissions (3):

Labcorp Genetics (formerly Invitae), Labcorp
Classification: Uncertain significance for Axenfeld-Rieger syndrome type 3. Last evaluated: 2024-09-17. Review status: criteria provided, single submitter. Criteria: Invitae Variant Classification Sherloc (09022015). Collection method: clinical testing. Allele origin: germline.
Comment: This sequence change replaces threonine, which is neutral and polar, with serine, which is neutral and polar, at codon 471 of the FOXC1 protein (p.Thr471Ser). This variant is present in population databases (rs758013827, gnomAD 0.04%), and has an allele count higher than expected for a pathogenic variant. This variant has not been reported in the literature in individuals affected with FOXC1-related conditions. ClinVar contains an entry for this variant (Variation ID: 1445786). An algorithm developed to predict the effect of missense changes on protein structure and function (PolyPhen-2) suggests that this variant¬†is likely to be tolerated. In summary, the available evidence is currently insufficient to determine the role of this variant in disease. Therefore, it has been classified as a Variant of Uncertain Significance.

CeGaT Center for Human Genetics Tuebingen
Classification: Uncertain significance. Last evaluated: 2023-09-01. Review status: criteria provided, single submitter. Criteria: CeGaT Center For Human Genetics Tuebingen Variant Classification Criteria Version 2. Collection method: clinical testing. Allele origin: germline. Affected: yes. Observed: 1 variant allele.

Ambry Genetics
Classification: Uncertain significance for Inborn genetic diseases. Last evaluated: 2023-03-02. Review status: criteria provided, single submitter. Criteria: Ambry Variant Classification Scheme 2023. Collection method: clinical testing. Allele origin: germline.

NM_001453.3(FOXC1):c.1412C>G (p.Thr471Ser)

Gene: FOXC1 (forkhead box C1; plus strand). Cytogenetic location: 6p25.3.
Variant type: single nucleotide variant.
Coding change: c.1412C>G on transcript NM_001453.3 (MANE Select); coding-DNA position 1412, C replaced by G.
Protein change: p.Thr471Ser; replaces threonine 471 with serine.
Molecular consequence: missense variant.
Genome position (GRCh38, 1-based): chr6:1,611,857, C>G. VCF-style: chr6-1611857-C-G. GRCh37 (hg19) VCF-style: chr6-1612092-C-G.
Other names: c.1412C>G (NM_001453.2); short protein forms T471S.
Identifiers: ClinVar variation 1445786 (VCV001445786.32), dbSNP rs758013827, ClinGen allele CA3614890.